The following is an entry in ClinVar:

ClinVar aggregate classification (germline): Likely pathogenic (1 of 4 stars; one submission).

Allele frequency attached by ClinVar (database versions not stated): gnomAD exomes below 0.00001; ExAC 0.00001; ESP Exome Variant Server 0.00008.
gnomAD v4.1: 1 of 1,612,348 alleles (0.000062%); highest among the groups gnomAD compares: Non-Finnish European, 0.000085%; no homozygotes.

Submission:

Labcorp Genetics (formerly Invitae), Labcorp
Classification: Likely pathogenic. Last evaluated: 2022-09-28. Review status: criteria provided, single submitter. Criteria: Invitae Variant Classification Sherloc (09022015). Collection method: clinical testing. Allele origin: germline.
Comment: This variant is present in population databases (rs372285848, gnomAD 0.0009%). In summary, the currently available evidence indicates that the variant is pathogenic, but additional data are needed to prove that conclusively. Therefore, this variant has been classified as Likely Pathogenic. Algorithms developed to predict the effect of sequence changes on RNA splicing suggest that this variant may disrupt the consensus splice site. Disruption of this splice site has been observed in individual(s) with autosomal recessive focal hyperinsulinism (PMID: 30386300, 32027066). This sequence change affects an acceptor splice site in intron 13 of the ABCC8 gene. It is expected to disrupt RNA splicing. Variants that disrupt the donor or acceptor splice site typically lead to a loss of protein function (PMID: 16199547), and loss-of-function variants in ABCC8 are known to be pathogenic (PMID: 20685672, 23345197).

Literature cited by the submitters: PubMed 30386300; PubMed 32027066; PubMed 16199547; PubMed 20685672; PubMed 23345197.

NM_000352.6(ABCC8):c.1924-1G>C

Gene: ABCC8 (ATP binding cassette subfamily C member 8; minus strand). Cytogenetic location: 11p15.1.
Variant type: single nucleotide variant.
Coding change: c.1924-1G>C on transcript NM_000352.6 (MANE Select); the canonical splice acceptor site of the intron before coding-DNA position 1924, G replaced by C.
Molecular consequence: splice acceptor variant. On other transcripts: missense variant (1).
Genome position (GRCh38, 1-based): chr11:17,428,406, C>G on the plus strand (G>C on the coding strand, the complement: ABCC8 is on the minus strand). VCF-style: chr11-17428406-C-G. GRCh37 (hg19) VCF-style: chr11-17449953-C-G.
Other names: c.1989G>C, p.Gln663His (NM_001351295.2); c.1921-1G>C (NM_001351297.2, NM_001351296.2); c.1924-1G>C (NM_001287174.3); short protein forms Q663H.
Identifiers: ClinVar variation 1909216 (VCV001909216.5), dbSNP rs372285848, ClinGen allele CA5903375.